The following is an entry in ClinVar:

ClinVar aggregate classification (germline): Likely benign. Review status: criteria provided, multiple submitters, no conflicts (2 of 4 stars). 4 submissions from 4 submitters: Likely benign (4). Last evaluated 2026-01-26.

Conditions:
AP3D1-related disorder. Also called: AP3D1-related condition.

Allele frequency attached by ClinVar (database versions not stated): gnomAD exomes 0.00058 and 0.00028; ExAC 0.00066; 1000 Genomes Project 30x 0.00094; 1000 Genomes Project 0.00100; TOPMed 0.00003; gnomAD 0.00016.
gnomAD v4.1: 433 of 1,612,538 alleles (0.027%); highest among the groups gnomAD compares: South Asian, 0.45%; 2 homozygotes.

Submissions (4):

Labcorp Genetics (formerly Invitae), Labcorp
Classification: Likely benign. Last evaluated: 2026-01-26. Review status: criteria provided, single submitter. Criteria: Invitae Variant Classification Sherloc (09022015). Collection method: clinical testing. Allele origin: germline.

PreventionGenetics, part of Exact Sciences
Classification: Likely benign for AP3D1-related condition. Last evaluated: 2025-10-06. Review status: criteria provided, single submitter. Criteria: ACMG Guidelines, 2015. Collection method: clinical testing. Allele origin: germline.
Comment: This variant is classified as likely benign based on ACMG/AMP sequence variant interpretation guidelines (Richards et al. 2015 PMID: 25741868, with internal and published modifications).

Blueprint Genetics
Classification: Likely benign. Last evaluated: 2024-11-04. Review status: criteria provided, single submitter. Criteria: ACMG Guidelines, 2015. Collection method: clinical testing. Allele origin: germline.

CeGaT Center for Human Genetics Tuebingen
Classification: Likely benign. Last evaluated: 2024-05-01. Review status: criteria provided, single submitter. Criteria: CeGaT Center For Human Genetics Tuebingen Variant Classification Criteria Version 2. Collection method: clinical testing. Allele origin: germline. Affected: yes. Observed: 1 variant allele.
Comment: AP3D1: BP4, BS2

NM_001261826.3(AP3D1):c.2986A>G (p.Thr996Ala)

Gene: AP3D1 (adaptor related protein complex 3 subunit delta 1; minus strand). Cytogenetic location: 19p13.3.
Variant type: single nucleotide variant.
Coding change: c.2986A>G on transcript NM_001261826.3 (MANE Select); coding-DNA position 2986, A replaced by G.
Protein change: p.Thr996Ala; replaces threonine 996 with alanine.
Molecular consequence: missense variant.
Genome position (GRCh38, 1-based): chr19:2,110,896, T>C on the plus strand (A>G on the coding strand, the complement: AP3D1 is on the minus strand). VCF-style: chr19-2110896-T-C. GRCh37 (hg19) VCF-style: chr19-2110895-T-C.
Other names: c.2950A>G, p.Thr984Ala (NM_001374799.1); c.2800A>G, p.Thr934Ala (NM_003938.8); c.2986A>G (NM_001261826.1); short protein forms T934A, T984A, T996A.
Identifiers: ClinVar variation 1535888 (VCV001535888.29), dbSNP rs200937321, ClinGen allele CA9058593.